The following is an entry in ClinVar:

Conditions:
Long QT syndrome 5 (LQT5). Identifiers: Orphanet 101016, Orphanet 768, MedGen C1867904, MONDO:0013372, OMIM 613695.

Submission:

Roden Lab, Vanderbilt University Medical Center
No classification provided (evidence only). Condition: Long QT syndrome 5. Review status: no classification provided. Collection method: in vitro. Allele origin: not applicable. Functional consequence: Effect on ion channel function.
ClinVar note: "not provided" was previously submitted as the classification for the variant. However, the classification appeared to be based only on an observation of functional data so it was converted to no classification on 2025-07-30.

NM_000219.6(KCNE1):c.166T>A (p.Phe56Ile)

Gene: KCNE1 (potassium voltage-gated channel subfamily E regulatory subunit 1; minus strand). Cytogenetic location: 21q22.12.
Variant type: single nucleotide variant.
Coding change: c.166T>A on transcript NM_000219.6 (MANE Select); coding-DNA position 166, T replaced by A.
Protein change: p.Phe56Ile; replaces phenylalanine 56 with isoleucine.
Molecular consequence: missense variant.
Genome position (GRCh38, 1-based): chr21:34,449,469, A>T on the plus strand (T>A on the coding strand, the complement: KCNE1 is on the minus strand). VCF-style: chr21-34449469-A-T. GRCh37 (hg19) VCF-style: chr21-35821767-A-T.
Other names: c.166T>A, p.Phe56Ile (NM_001127668.4, NM_001127669.4, NM_001127670.4 and 4 more transcripts); short protein forms F56I.
Identifiers: ClinVar variation 3374220 (VCV003374220.2).